The following is an entry in ClinVar:

ClinVar aggregate classification (germline): Likely pathogenic. Review status: criteria provided, multiple submitters, no conflicts (2 of 4 stars). 5 submissions from 5 submitters: Likely pathogenic (5). Last evaluated 2025-12-04.

Conditions:
Glycogen storage disease, type VII (GSD7). Also called: GSD VII; MUSCLE PHOSPHOFRUCTOKINASE DEFICIENCY; PFKM DEFICIENCY; TARUI DISEASE. Identifiers: Orphanet 371, MedGen C0017926, MONDO:0009295, OMIM 232800.

Allele frequency attached by ClinVar (database versions not stated): gnomAD exomes 0.00001.

Submissions (5):

Natera, Inc.
Classification: Likely pathogenic for Glycogen storage disease type VII. Last evaluated: 2025-12-04. Review status: criteria provided, single submitter. Criteria: Natera Variant Classification Schema (03/2026). Collection method: clinical testing. Allele origin: germline.
Comment: The c.1876_1880+2delTTAAGGT variant in PFKM is a canonical splice donor site variant predicted to affect pre-mRNA splicing, which may result in an abnormal transcript and altered protein product. This variant is expected to result in nonsense mediated decay, truncation, or a dysfunctional protein product. This variant is rare in the general population with a frequency below the threshold expected for the associated phenotype(s). Given the available evidence, this variant is classified as Likely Pathogenic.

Myriad Genetics, Inc.
Classification: Likely pathogenic for Glycogen storage disease, type VII. Last evaluated: 2025-05-06. Review status: criteria provided, single submitter. Criteria: Myriad Autosomal Dominant, Autosomal Recessive and X-Linked Classification Criteria (2023). Collection method: clinical testing. Allele origin: unknown.
Comment: NM_001166686.1(PFKM):c.2089_2093+2del7 is a variant in a canonical splice site classified as likely pathogenic in the context of glycogen storage disease, PFKM-related. c.2089_2093+2del7 has not been observed in cases with relevant disease. Relevant functional assessments of this variant are not available in the literature. c.2089_2093+2del7 has not been observed in referenced population frequency databases. In summary, NM_001166686.1(PFKM):c.2089_2093+2del7 is a variant in a canonical splice site in a gene where loss of function is a known mechanism of disease and is predicted to disrupt protein function. Please note: this variant was assessed in the context of healthy population screening.

Labcorp Genetics (formerly Invitae), Labcorp
Classification: Likely pathogenic for Glycogen storage disease, type VII. Last evaluated: 2024-05-02. Review status: criteria provided, single submitter. Criteria: Invitae Variant Classification Sherloc (09022015). Collection method: clinical testing. Allele origin: germline.
Comment: This variant results in the deletion of part of exon 19 (c.1876_1880+2del) of the PFKM gene. It is expected to disrupt RNA splicing. Variants that disrupt the donor or acceptor splice site typically lead to a loss of protein function (PMID: 16199547), and loss-of-function variants in PFKM are known to be pathogenic (PMID: 7825568, 8037209). This variant is not present in population databases (gnomAD no frequency). This variant has not been reported in the literature in individuals affected with PFKM-related conditions. In summary, the currently available evidence indicates that the variant is pathogenic, but additional data are needed to prove that conclusively. Therefore, this variant has been classified as Likely Pathogenic.

Fulgent Genetics
Classification: Likely pathogenic for Glycogen storage disease, type VII. Last evaluated: 2024-03-27. Review status: criteria provided, single submitter. Criteria: ACMG Guidelines, 2015. Collection method: clinical testing. Allele origin: germline.

Baylor Genetics
Classification: Likely pathogenic for Glycogen storage disease, type VII. Last evaluated: 2023-10-10. Review status: criteria provided, single submitter. Criteria: ACMG Guidelines, 2015. Collection method: clinical testing. Allele origin: unknown.

Literature cited by the submitters: PubMed 16199547 (cited by Labcorp Genetics (formerly Invitae), Labcorp); PubMed 7825568 (cited by Labcorp Genetics (formerly Invitae), Labcorp); PubMed 8037209 (cited by Labcorp Genetics (formerly Invitae), Labcorp).

NM_000289.6(PFKM):c.1876_1880+2del

Gene: PFKM (phosphofructokinase, muscle; plus strand). Cytogenetic location: 12q13.11.
Variant type: Deletion.
Coding change: c.1876_1880+2del on transcript NM_000289.6 (MANE Select); coding-DNA position 1876 through the canonical splice donor site of the intron after coding-DNA position 1880, 7 bases deleted (TTAAGGT; older notation c.1876_1880+2delTTAAGGT).
Molecular consequence: splice donor variant.
Genome position (GRCh38, 1-based): chr12:48,143,810-48,143,816, TTAAGGT deleted. VCF-style (leftmost placement, unchanged base first): chr12-48143809-GTTAAGGT-G. GRCh37 (hg19) VCF-style: chr12-48537592-GTTAAGGT-G.
Other names: c.1900_1904+2del (NM_001354741.2); c.1876_1880+2del (NM_001354742.2, NM_001354743.2, NM_001354744.2 and 2 more transcripts); c.1726_1730+2del (NM_001354747.2, NM_001354748.2); c.2089_2093+2del (NM_001166686.2, NM_001354737.1, NM_001354739.1 and 1 more transcripts); c.2185_2189+2del (NM_001354736.1, NM_001354735.1); c.2020_2024+2del (NM_001354740.1); c.1789_1793+2del (NM_001354745.2); c.1750_1754+2del (NM_001354746.2); and 2 more.
Identifiers: ClinVar variation 2677736 (VCV002677736.6), dbSNP rs2498640077, ClinGen allele CA2618528182.
Genomic context (GRCh38, chr12:48,143,809, plus strand): 5'-TCAGGCAAATGTTGAACATCTGGTGCAAAAGATGAAAACAACTGTGAAAAGGGGCTTGGT[GTTAAGGT>G]ACCTCATCCATGGTTTGTTCCTAAATGAAGAAGAAAAATAAGCTTTGGCTCAAACCCATA-3'